The following is an entry in ClinVar:

ClinVar aggregate classification (germline): Conflicting classifications of pathogenicity. Review status: criteria provided, conflicting classifications (1 of 4 stars). 6 submissions from 4 submitters: Uncertain significance (3); Likely benign (2). 1 of the submissions does not count toward it. Last evaluated 2024-02-13.

Conditions:
Acute febrile neutrophilic dermatosis (AFND). Also called: Sweet Syndrome; Gomm Button disease. Identifiers: Orphanet 3243, MedGen C0085077, MONDO:0011959, OMIM 608068.
Familial Mediterranean fever (FMF). Also called: POLYSEROSITIS, FAMILIAL PAROXYSMAL; POLYSEROSITIS, RECURRENT; Periodic peritonitis; Benign paroxysmal peritonitis. Identifiers: Orphanet 342, MedGen C0031069, MONDO:0018088, OMIM 249100. Disease mechanism: gain of function.
Familial Mediterranean fever, autosomal dominant. Also called: FMF, AUTOSOMAL DOMINANT; Dominant Familial Mediterranean Fever. Identifiers: Orphanet 342, MedGen C1851347, MONDO:0007601, OMIM 134610.

Allele frequency attached by ClinVar (database versions not stated): TOPMed 0.00001; gnomAD 0.00001.
gnomAD v4.1: 62 of 1,614,078 alleles (0.0038%); highest among the groups gnomAD compares: Non-Finnish European, 0.0045%; no homozygotes.

Submissions (6):

Fulgent Genetics
Classification: Uncertain significance for Familial Mediterranean fever, autosomal dominant; Familial Mediterranean fever; Acute febrile neutrophilic dermatosis. Last evaluated: 2024-02-13. Review status: criteria provided, single submitter. Criteria: ACMG Guidelines, 2015. Collection method: clinical testing. Allele origin: germline.

Genome-Nilou Lab
Classification: Uncertain significance for Familial Mediterranean fever. Last evaluated: 2023-02-08. Review status: criteria provided, single submitter. Criteria: ACMG Guidelines, 2015. Collection method: clinical testing. Allele origin: germline.

Genome-Nilou Lab
Classification: Likely benign for Familial Mediterranean fever, autosomal dominant. Last evaluated: 2023-02-08. Review status: criteria provided, single submitter. Criteria: ACMG Guidelines, 2015. Collection method: clinical testing. Allele origin: germline.

Genome-Nilou Lab
Classification: Likely benign for Acute febrile neutrophilic dermatosis. Last evaluated: 2023-02-08. Review status: criteria provided, single submitter. Criteria: ACMG Guidelines, 2015. Collection method: clinical testing. Allele origin: germline.

Labcorp Genetics (formerly Invitae), Labcorp
Classification: Uncertain significance for Familial Mediterranean fever. Last evaluated: 2021-08-31. Review status: criteria provided, single submitter. Criteria: Invitae Variant Classification Sherloc (09022015). Collection method: clinical testing. Allele origin: germline.
Comment: This sequence change replaces glutamic acid with aspartic acid at codon 276 of the MEFV protein (p.Glu276Asp). The glutamic acid residue is weakly conserved and there is a small physicochemical difference between glutamic acid and aspartic acid. This variant is present in population databases (rs775020273, ExAC 0.05%). This variant has not been reported in the literature in individuals affected with MEFV-related conditions. Algorithms developed to predict the effect of missense changes on protein structure and function (SIFT, PolyPhen-2, Align-GVGD) all suggest that this variant is likely to be tolerated. In summary, the available evidence is currently insufficient to determine the role of this variant in disease. Therefore, it has been classified as a Variant of Uncertain Significance.

Natera, Inc.
Classification: Uncertain significance for Familial Mediterranean fever. Last evaluated: 2020-02-13. Review status: no assertion criteria provided. Collection method: clinical testing. Allele origin: germline. Not counted in ClinVar's aggregate classification.

NM_000243.3(MEFV):c.828A>C (p.Glu276Asp)

Gene: MEFV (MEFV innate immunity regulator, pyrin; minus strand). Cytogenetic location: 16p13.3.
Variant type: single nucleotide variant.
Coding change: c.828A>C on transcript NM_000243.3 (MANE Select); coding-DNA position 828, A replaced by C.
Protein change: p.Glu276Asp; replaces glutamic acid 276 with aspartic acid.
Molecular consequence: missense variant. On other transcripts: intron variant (1).
Genome position (GRCh38, 1-based): chr16:3,254,240, T>G on the plus strand (A>C on the coding strand, the complement: MEFV is on the minus strand). VCF-style: chr16-3254240-T-G. GRCh37 (hg19) VCF-style: chr16-3304240-T-G.
Other names: c.277+2071A>C (NM_001198536.2); short protein forms E276D.
Identifiers: ClinVar variation 848470 (VCV000848470.9), dbSNP rs775020273, ClinGen allele CA7860319.